The following is an entry in ClinVar:

NM_001122955.4(BSCL2):c.1089G>C (p.Glu363Asp)

Genes: BSCL2 (BSCL2 lipid droplet biogenesis associated, seipin; minus strand), HNRNPUL2-BSCL2 (HNRNPUL2-BSCL2 readthrough (NMD candidate); minus strand). Cytogenetic location: 11q12.3.
Variant type: single nucleotide variant.
Coding change: c.1089G>C on transcript NM_001122955.4 (MANE Select); coding-DNA position 1089, G replaced by C.
Protein change: p.Glu363Asp; replaces glutamic acid 363 with aspartic acid.
Molecular consequence: missense variant. On other transcripts: non-coding transcript variant (1).
Genome position (GRCh38, 1-based): chr11:62,690,851, C>G on the plus strand (G>C on the coding strand, the complement: BSCL2 is on the minus strand). VCF-style: chr11-62690851-C-G. GRCh37 (hg19) VCF-style: chr11-62458323-C-G.
Other names: c.755G>C, p.Arg252Thr (NM_001130702.2); c.1095G>C, p.Glu365Asp (NM_001386027.1); c.1089G>C, p.Glu363Asp (NM_001386028.1); c.897G>C, p.Glu299Asp (NM_032667.6); short protein forms E299D, E365D, E363D, R252T.
Identifiers: ClinVar variation 3645766 (VCV003645766.2).

ClinVar aggregate classification (germline): Uncertain significance (1 of 4 stars; one submission).

Conditions:
Charcot-Marie-Tooth disease type 2. Also called: Charcot-Marie-Tooth type 2. Identifiers: Orphanet 64746, MedGen C0270914, MONDO:0018993.

Submission:

Labcorp Genetics (formerly Invitae), Labcorp
Classification: Uncertain significance for Charcot-Marie-Tooth disease type 2. Last evaluated: 2024-03-13. Review status: criteria provided, single submitter. Criteria: Invitae Variant Classification Sherloc (09022015). Collection method: clinical testing. Allele origin: germline.
Comment: This sequence change replaces glutamic acid, which is acidic and polar, with aspartic acid, which is acidic and polar, at codon 299 of the BSCL2 protein (p.Glu299Asp). This variant is not present in population databases (gnomAD no frequency). This variant has not been reported in the literature in individuals affected with BSCL2-related conditions. Advanced modeling of protein sequence and biophysical properties (such as structural, functional, and spatial information, amino acid conservation, physicochemical variation, residue mobility, and thermodynamic stability) performed at Invitae indicates that this missense variant is not expected to disrupt BSCL2 protein function with a negative predictive value of 80%. In summary, the available evidence is currently insufficient to determine the role of this variant in disease. Therefore, it has been classified as a Variant of Uncertain Significance.